The following is an entry in ClinVar:

ClinVar aggregate classification (germline): Likely pathogenic (1 of 4 stars; one submission).

Conditions:
Cystinuria (CSNU). Also called: CYSTINURIA, TYPE I; CYSTINURIA, TYPE II; CYSTINURIA, TYPE III; Cystinuria, non-type I. Identifiers: Orphanet 214, MedGen C0010691, MONDO:0009067, OMIM 220100, HP:0003131.

Submission:

Rare Kidney Stone Consortium and the Mayo Clinic Hyperoxaluria Center, Mayo Clinic
Classification: Likely pathogenic for Cystinuria. Last evaluated: 2025-10-03. Review status: criteria provided, single submitter. Criteria: ACMG Guidelines, 2015. Collection method: research. Allele origin: germline. Affected: yes. Observed: 1 variant allele.
Comment: ACMG:PVS1, PM2, PM6, PP4

Literature cited by the submitters: PubMed 40794449.

NM_000341.4(SLC3A1):c.1618-1G>T

Genes: PREPL (prolyl endopeptidase like; minus strand), SLC3A1 (solute carrier family 3 member 1; plus strand). Cytogenetic location: 2p21.
Variant type: single nucleotide variant.
Coding change: c.1618-1G>T on transcript NM_000341.4 (MANE Select); the canonical splice acceptor site of the intron before coding-DNA position 1618, G replaced by T.
Molecular consequence: splice acceptor variant. On other transcripts: 3 prime UTR variant (10).
Genome position (GRCh38, 1-based): chr2:44,320,198, G>T. VCF-style: chr2-44320198-G-T. GRCh37 (hg19) VCF-style: chr2-44547337-G-T.
Other names: c.*1158C>A (NM_001042385.2, NM_001042386.2, NM_001171603.1 and 7 more transcripts).
Identifiers: ClinVar variation 4526820 (VCV004526820.1).
Genomic context (GRCh38, chr2:44,320,198, plus strand): 5'-AAATACTTACAAACAATTCTTAGAATCAAACACTTACGTAAATACTTTTTTAAAAAAATA[G>T]GTCCAAAAGACTCAGCCCAGATCGGCTTTGAAGTTATATCAAGATTTAAGTCTACTTCAT-3'